The following is an entry in ClinVar:

NM_004364.5(CEBPA):c.842A>G (p.Asn281Ser)

Gene: CEBPA (CCAAT enhancer binding protein alpha; minus strand). Cytogenetic location: 19q13.11.
Variant type: single nucleotide variant.
Coding change: c.842A>G on transcript NM_004364.5 (MANE Select); coding-DNA position 842, A replaced by G.
Protein change: p.Asn281Ser; replaces asparagine 281 with serine.
Molecular consequence: missense variant.
Genome position (GRCh38, 1-based): chr19:33,301,573, T>C on the plus strand (A>G on the coding strand, the complement: CEBPA is on the minus strand). VCF-style: chr19-33301573-T-C. GRCh37 (hg19) VCF-style: chr19-33792479-T-C.
Other names: c.485A>G, p.Asn162Ser (NM_001285829.2); c.947A>G, p.Asn316Ser (NM_001287424.2); c.800A>G, p.Asn267Ser (NM_001287435.2); short protein forms N162S, N267S, N281S, N316S.
Identifiers: ClinVar variation 4868668 (VCV004868668.1).
Genomic context (GRCh38, chr19:33,301,573, plus strand): 5'-TCGCGGCTCTTGCGCACCGCGATGTTGTTGCGCTCGCGCCGCACCCGGTACTCGTTGCTG[T>C]TCTTGTCCACCGACTTCTTGGCCTTGCCCGCGCCGCTGCCGCCACTCGCGCGGAGGTCGG-3'
Protein context (NP_004355.2, residues 271-291): AGKAKKSVDK[Asn281Ser]SNEYRVRRER

ClinVar aggregate classification (germline): Uncertain significance (1 of 4 stars; one submission).

Conditions:
Inborn genetic diseases. Identifiers: MedGen C0950123, MeSH D030342.

Submission:

Ambry Genetics
Classification: Uncertain significance for Inborn genetic diseases. Last evaluated: 2026-03-31. Review status: criteria provided, single submitter. Criteria: Ambry Variant Classification Scheme 2023. Collection method: clinical testing. Allele origin: germline.
Comment: The p.N281S variant (also known as c.842A>G), located in coding exon 1 of the CEBPA gene, results from an A to G substitution at nucleotide position 842. The asparagine at codon 281 is replaced by serine, an amino acid with highly similar properties. This amino acid position is conserved. In addition, this alteration is predicted to be tolerated by in silico analysis. Based on the available evidence, the clinical significance of this variant remains unclear.